The following is an entry in ClinVar:

NM_000937.5(POLR2A):c.3441C>T (p.Ser1147=)

Gene: POLR2A (RNA polymerase II subunit A; plus strand). Cytogenetic location: 17p13.1.
Variant type: single nucleotide variant.
Coding change: c.3441C>T on transcript NM_000937.5 (MANE Select); coding-DNA position 3441, C replaced by T.
Protein change: p.Ser1147=; no amino-acid change (serine 1147 retained).
Molecular consequence: synonymous variant.
Genome position (GRCh38, 1-based): chr17:7,508,451, C>T. VCF-style: chr17-7508451-C-T. GRCh37 (hg19) VCF-style: chr17-7411770-C-T.
Identifiers: ClinVar variation 1270518 (VCV001270518.4), dbSNP rs2228132, ClinGen allele CA8349964.
Genomic context (GRCh38, chr17:7,508,451, plus strand): 5'-CATCAACATTTCCAAGAAGCCAAAGACTCCTTCGCTTACTGTCTTCCTGTTGGGCCAGTC[C>T]GCTCGAGATGCTGAGAGAGCCAAGGTAGGGATCAGGACTGCTGGGCTTTTTGGCCGGAAG-3'
Protein context (NP_000928.1, residues 1137-1157): PSLTVFLLGQ[Ser1147=]ARDAERAKDI

ClinVar aggregate classification (germline): Benign. Review status: criteria provided, multiple submitters, no conflicts (2 of 4 stars). 3 submissions from 3 submitters: Benign (2). 1 of the submissions does not count toward it. Last evaluated 2020-01-16.

Conditions:
POLR2A-related disorder. Also called: POLR2A-related condition.

Allele frequency attached by ClinVar (database versions not stated): 1000 Genomes Project 0.15775; 1000 Genomes Project 30x 0.15943; gnomAD 0.17979 and 0.17994; ExAC 0.25488; TOPMed 0.18083; ESP Exome Variant Server 0.19391.

Submissions (3):

GeneDx
Classification: Benign. Last evaluated: 2020-01-16. Review status: criteria provided, single submitter. Criteria: GeneDx Variant Classification Process June 2021. Collection method: clinical testing. Allele origin: germline. Affected: yes.

Breakthrough Genomics
Classification: Benign. Review status: criteria provided, single submitter. Criteria: ACMG Guidelines, 2015. Collection method: not provided. Allele origin: germline. Inheritance: Autosomal dominant inheritance. Affected: yes.

PreventionGenetics, part of Exact Sciences
Classification: Benign for POLR2A-related condition. Last evaluated: 2019-11-04. Review status: no assertion criteria provided. Collection method: clinical testing. Allele origin: germline. Not counted in ClinVar's aggregate classification.
Comment: This variant is classified as benign based on ACMG/AMP sequence variant interpretation guidelines (Richards et al. 2015 PMID: 25741868, with internal and published modifications).